The following is an entry in ClinVar:

ClinVar aggregate classification (germline): Likely pathogenic (1 of 4 stars; one submission).

Conditions:
Alkaptonuria (AKU). Also called: Homogentisic acidura; Alkaptonuric ochronosis; Alcaptonuria; HOMOGENTISIC ACID OXIDASE DEFICIENCY. Identifiers: Orphanet 56, MedGen C0002066, MONDO:0008753, OMIM 203500.

Submission:

Laboratory of Inherited Metabolic Diseases, Research centre for medical genetics
Classification: Likely pathogenic for Alkaptonuria. Last evaluated: 2020-03-03. Review status: criteria provided, single submitter. Criteria: ACMG Guidelines, 2015. Collection method: clinical testing. Allele origin: germline. Inheritance: Autosomal recessive inheritance. Affected: yes. Observed: 1 variant allele.
Comment: Severe damage of the musculoskeletal system

NM_000187.4(HGD):c.413G>A (p.Cys138Tyr)

Gene: HGD (homogentisate 1,2-dioxygenase; minus strand). Cytogenetic location: 3q13.33.
Variant type: single nucleotide variant.
Coding change: c.413G>A on transcript NM_000187.4 (MANE Select); coding-DNA position 413, G replaced by A.
Protein change: p.Cys138Tyr; replaces cysteine 138 with tyrosine.
Molecular consequence: missense variant.
Genome position (GRCh38, 1-based): chr3:120,650,795, C>T on the plus strand (G>A on the coding strand, the complement: HGD is on the minus strand). VCF-style: chr3-120650795-C-T. GRCh37 (hg19) VCF-style: chr3-120369642-C-T.
Other names: short protein forms C138Y.
Identifiers: ClinVar variation 929480 (VCV000929480.1), dbSNP rs1941316527, ClinGen allele CA354078016.
Genomic context (GRCh38, chr3:120,650,795, plus strand): 5'-GAAGATGGGCATGTCCTTCCCTAGAACTGAGCCACTTACCTGTTCTCCATGGAGGTATTG[C>T]AGAGGAAAATGTGGATAGCAAGCCCATTGTTAGACTTTATGTCTCCAGCTCCACACAAGG-3'
Protein context (NP_000178.2, residues 128-148): NNGLAIHIFL[Cys138Tyr]NTSMENRCFY